The following is an entry in ClinVar:

NM_001042492.3(NF1):c.3027T>G (p.Ile1009Met)

Gene: NF1 (neurofibromin 1; plus strand). Cytogenetic location: 17q11.2.
Variant type: single nucleotide variant.
Coding change: c.3027T>G on transcript NM_001042492.3 (MANE Select); coding-DNA position 3027, T replaced by G.
Protein change: p.Ile1009Met; replaces isoleucine 1009 with methionine.
Molecular consequence: missense variant.
Genome position (GRCh38, 1-based): chr17:31,230,296, T>G. VCF-style: chr17-31230296-T-G. GRCh37 (hg19) VCF-style: chr17-29557314-T-G.
Other names: c.3027T>G, p.Ile1009Met (NM_000267.4); short protein forms I1009M.
Identifiers: ClinVar variation 1374350 (VCV001374350.8), dbSNP rs2151431556, ClinGen allele CA398986630.
Genomic context (GRCh38, chr17:31,230,296, plus strand): 5'-TTTATTGTTTCTATGTCTATATAGGTATGTTCGTGTGCTTGGGAATATGGTCCATGCAAT[T>G]CAAATAAAAACGAAACTGTGTCAATTAGTTGAAGTAATGATGGCAAGGAGAGATGACCTC-3'
Protein context (NP_001035957.1, residues 999-1019): VRVLGNMVHA[Ile1009Met]QIKTKLCQLV

ClinVar aggregate classification (germline): Uncertain significance (1 of 4 stars; one submission).

Conditions:
Neurofibromatosis, type 1 (NF1). Also called: Peripheral type neurofibromatosis; Neurofibromatosis, type I; NEUROFIBROMATOSIS, TYPE I, SOMATIC; VON RECKLINGHAUSEN DISEASE. Identifiers: Orphanet 636, MedGen C0027831, MONDO:0018975, OMIM 162200. Disease mechanism: loss of function.

Submission:

Labcorp Genetics (formerly Invitae), Labcorp
Classification: Uncertain significance for Neurofibromatosis, type 1. Last evaluated: 2025-12-29. Review status: criteria provided, single submitter. Criteria: Invitae Variant Classification Sherloc (09022015). Collection method: clinical testing. Allele origin: germline.
Comment: This sequence change replaces isoleucine, which is neutral and non-polar, with methionine, which is neutral and non-polar, at codon 1009 of the NF1 protein (p.Ile1009Met). This variant is not present in population databases (gnomAD no frequency). This variant has not been reported in the literature in individuals affected with NF1-related conditions. ClinVar contains an entry for this variant (Variation ID: 1374350). Invitae Evidence Modeling of protein sequence and biophysical properties (such as structural, functional, and spatial information, amino acid conservation, physicochemical variation, residue mobility, and thermodynamic stability) indicates that this missense variant is expected to disrupt NF1 protein function with a positive predictive value of 95%. In summary, the available evidence is currently insufficient to determine the role of this variant in disease. Therefore, it has been classified as a Variant of Uncertain Significance.